The following is an entry in ClinVar:

ClinVar aggregate classification (germline): Likely pathogenic (1 of 4 stars; one submission).

Conditions:
Zellweger spectrum disorders (ZS). Also called: Zellweger Spectrum Disorder (ZSD); Zellweger syndrome; Zellweger Spectrum Disorder; Zellweger Spectrum. Identifiers: Orphanet 912, MedGen C0043459, MONDO:0019609.

gnomAD v4.1: 2 of 1,588,576 alleles (0.00013%); highest among the groups gnomAD compares: South Asian, 0.0011%; no homozygotes.

Submission:

Natera, Inc.
Classification: Likely pathogenic for Zellweger syndrome. Last evaluated: 2024-12-31. Review status: criteria provided, single submitter. Criteria: Natera Variant Classification Schema (03/2026). Collection method: clinical testing. Allele origin: germline.
Comment: The c.3037C>G variant in PEX1 is a missense variant predicted to cause substitution of arginine to glycine at amino acid 1013. This variant is rare in the general population with a frequency below the threshold expected for the associated phenotype(s). This variant has been observed in one or more individuals affected with the associated recessive disease, as either homozygous or compound heterozygous with a second variant (PMID: 30561787, 21846392). A different variant at the same position has been determined to be Pathogenic or Likely Pathogenic. Computational prediction algorithms indicate this variant is likely to affect gene or protein function. Given the available evidence, this variant is classified as Likely Pathogenic.

Literature cited by the submitters: PubMed 30561787; PubMed 21846392.

NM_000466.3(PEX1):c.3037C>G (p.Arg1013Gly)

Genes: GATAD1 (GATA zinc finger domain containing 1; plus strand), PEX1 (peroxisomal biogenesis factor 1; minus strand). Cytogenetic location: 7q21.2.
Variant type: single nucleotide variant.
Coding change: c.3037C>G on transcript NM_000466.3 (MANE Select); coding-DNA position 3037, C replaced by G.
Protein change: p.Arg1013Gly; replaces arginine 1013 with glycine.
Molecular consequence: missense variant.
Genome position (GRCh38, 1-based): chr7:92,493,123, G>C on the plus strand (C>G on the coding strand, the complement: PEX1 is on the minus strand). VCF-style: chr7-92493123-G-C. GRCh37 (hg19) VCF-style: chr7-92122437-G-C.
Other names: c.2866C>G, p.Arg956Gly (NM_001282677.2); c.2413C>G, p.Arg805Gly (NM_001282678.2); short protein forms R1013G, R805G, R956G.
Identifiers: ClinVar variation 4818400 (VCV004818400.1).